The following is an entry in ClinVar:

ClinVar aggregate classification (germline): Uncertain significance (1 of 4 stars; one submission).

Conditions:
KBG syndrome (KBGS). Also called: ANKRD11-Related KBG Syndrome. Identifiers: Orphanet 2332, MedGen C0220687, MONDO:0007846, OMIM 148050.

gnomAD v4.1: 2 of 1,559,938 alleles (0.00013%); highest among the groups gnomAD compares: Admixed American, 0.0018%; no homozygotes.

Submission:

Labcorp Genetics (formerly Invitae), Labcorp
Classification: Uncertain significance for KBG syndrome. Last evaluated: 2025-02-15. Review status: criteria provided, single submitter. Criteria: Invitae Variant Classification Sherloc (09022015). Collection method: clinical testing. Allele origin: germline.
Comment: This sequence change replaces alanine, which is neutral and non-polar, with proline, which is neutral and non-polar, at codon 2046 of the ANKRD11 protein (p.Ala2046Pro). This variant is present in population databases (no rsID available, gnomAD 0.1%). This variant has not been reported in the literature in individuals affected with ANKRD11-related conditions. Invitae Evidence Modeling of protein sequence and biophysical properties (such as structural, functional, and spatial information, amino acid conservation, physicochemical variation, residue mobility, and thermodynamic stability) indicates that this missense variant is not expected to disrupt ANKRD11 protein function with a negative predictive value of 95%. In summary, the available evidence is currently insufficient to determine the role of this variant in disease. Therefore, it has been classified as a Variant of Uncertain Significance.

NM_013275.6(ANKRD11):c.6136G>C (p.Ala2046Pro)

Gene: ANKRD11 (ankyrin repeat domain 11; minus strand). Cytogenetic location: 16q24.3.
Variant type: single nucleotide variant.
Coding change: c.6136G>C on transcript NM_013275.6 (MANE Select); coding-DNA position 6136, G replaced by C.
Protein change: p.Ala2046Pro; replaces alanine 2046 with proline.
Molecular consequence: missense variant.
Genome position (GRCh38, 1-based): chr16:89,280,406, C>G on the plus strand (G>C on the coding strand, the complement: ANKRD11 is on the minus strand). VCF-style: chr16-89280406-C-G. GRCh37 (hg19) VCF-style: chr16-89346814-C-G.
Other names: c.6136G>C, p.Ala2046Pro (NM_001256182.2, NM_001256183.2); short protein forms A2046P.
Identifiers: ClinVar variation 4776212 (VCV004776212.1).